The following is an entry in ClinVar:

ClinVar aggregate classification (germline): Uncertain significance. Review status: criteria provided, single submitter (1 of 4 stars). 2 submissions from 2 submitters: Uncertain significance (1). 1 of the submissions does not count toward it. Last evaluated 2017-04-27.

Conditions:
Hyperthyroxinemia, familial dysalbuminemic (FDAH). Also called: EUTHYROID HYPERTHYROXINEMIA 1. Identifiers: MedGen C0342185, MONDO:0014448, OMIM 615999.
ALBUMIN TRADATE 2.

Allele frequency attached by ClinVar (database versions not stated): TOPMed 0.00008; 1000 Genomes Project 30x 0.00016; 1000 Genomes Project 0.00020.
gnomAD v4.1: 77 of 1,614,174 alleles (0.0048%); highest among the groups gnomAD compares: Middle Eastern, 0.016%; 1 homozygote.

Submissions (2):

Illumina Laboratory Services, Illumina
Classification: Uncertain significance for Hyperthyroxinemia, familial dysalbuminemic. Last evaluated: 2017-04-27. Review status: criteria provided, single submitter. Criteria: ICSL Variant Classification Criteria 13 December 2019. Collection method: clinical testing. Allele origin: germline.
Comment: This variant was observed as part of a predisposition screen in an ostensibly healthy population. A literature search was performed for the gene, cDNA change, and amino acid change (where applicable). Publications were found based on this search. However, the evidence from the literature, in combination with allele frequency data from public databases where available, was not sufficient to rule this variant in or out of causing disease. Therefore, this variant is classified as a variant of unknown significance.

OMIM
Classification: other for ALBUMIN TRADATE 2. Last evaluated: 2019-07-18. Review status: no assertion criteria provided. Collection method: literature only. Allele origin: germline. Not counted in ClinVar's aggregate classification.

Literature cited by the submitters: PubMed 8022807 (cited by Illumina Laboratory Services, Illumina and OMIM).

NM_000477.7(ALB):c.745A>C (p.Lys249Gln)

Gene: ALB (albumin; plus strand). Cytogenetic location: 4q13.3.
Variant type: single nucleotide variant.
Coding change: c.745A>C on transcript NM_000477.7 (MANE Select); coding-DNA position 745, A replaced by C.
Protein change: p.Lys249Gln; replaces lysine 249 with glutamine.
Molecular consequence: missense variant.
Genome position (GRCh38, 1-based): chr4:73,412,027, A>C. VCF-style: chr4-73412027-A-C. GRCh37 (hg19) VCF-style: chr4-74277744-A-C.
Other names: K225Q; short protein forms K249Q.
Identifiers: ClinVar variation 18227 (VCV000018227.7), dbSNP rs79804069, ClinGen allele CA127955.
Genomic context (GRCh38, chr4:73,412,027, plus strand): 5'-ACCATTTTGATTGGCGATTTTCTTTTTAGGGCAGTAGCTCGCCTGAGCCAGAGATTTCCC[A>C]AAGCTGAGTTTGCAGAAGTTTCCAAGTTAGTGACAGATCTTACCAAAGTCCACACGGAAT-3'
Protein context (NP_000468.1, residues 239-259): AVARLSQRFP[Lys249Gln]AEFAEVSKLV